The following is an entry in ClinVar:

NM_001267550.2(TTN):c.28507G>A (p.Val9503Ile)

Gene: TTN (titin; minus strand). Cytogenetic location: 2q31.2.
Variant type: single nucleotide variant.
Coding change: c.28507G>A on transcript NM_001267550.2 (MANE Select); coding-DNA position 28507, G replaced by A.
Protein change: p.Val9503Ile; replaces valine 9503 with isoleucine.
Molecular consequence: missense variant. On other transcripts: intron variant (3).
Genome position (GRCh38, 1-based): chr2:178,709,812, C>T on the plus strand (G>A on the coding strand, the complement: TTN is on the minus strand). VCF-style: chr2-178709812-C-T. GRCh37 (hg19) VCF-style: chr2-179574539-C-T.
Other names: p.V9186I:GTA>ATA; c.13282+28270G>A (NM_003319.4); c.13858+28270G>A (NM_133437.4); c.13657+28270G>A (NM_133432.3); c.27556G>A, p.Val9186Ile (NM_001256850.1); c.24775G>A, p.Val8259Ile (NM_133378.4); short protein forms V8259I, V9503I, V9186I.
Identifiers: ClinVar variation 166133 (VCV000166133.54), dbSNP rs202160275, ClinGen allele CA178930.
Genomic context (GRCh38, chr2:178,709,812, plus strand): 5'-TAGGTTGGGAACCAGCCACACGTCCCTCAAGTTTGAAAGAATTCCCTTCTGTTTCTTCTA[C>T]TGTCTCTGAGAGTCTTTTAGTGAAACTTGGTGGGATGAGCCGCTCTATAAGAAATTGCAA-3'
Protein context (NP_001254479.2, residues 9493-9513): PSFTKRLSET[Val9503Ile]EETEGNSFKL

ClinVar aggregate classification (germline): Conflicting classifications of pathogenicity. Review status: criteria provided, conflicting classifications (1 of 4 stars). 17 submissions from 13 submitters: Uncertain significance (6); Benign (4); Likely benign (7). Last evaluated 2026-09-01.

Conditions:
TTN-related disorder. Also called: TTN-related disorders; TTN-related condition; TTN-related disease.
Cardiovascular phenotype. Identifiers: MedGen CN230736.
Autosomal recessive limb-girdle muscular dystrophy type 2J (LGMDR10). Also called: Limb-girdle muscular dystrophy, type 2J; MUSCULAR DYSTROPHY, LIMB-GIRDLE, AUTOSOMAL RECESSIVE 10. Identifiers: Orphanet 140922, MedGen C1837342, MONDO:0012127, OMIM 608807.
Dilated cardiomyopathy 1G (CMD1G). Identifiers: Orphanet 154, MedGen C1858763, MONDO:0011400, OMIM 604145.
Cardiomyopathy (CMYO). Also called: Cardiomyopathies. Identifiers: Orphanet 167848, MedGen C0878544, MONDO:0004994, HP:0001638. Inheritance: Various modes of inheritance.
Early-onset myopathy with fatal cardiomyopathy (CMYO5). Also called: Salih Myopathy; CONGENITAL MYOPATHY 5 WITH CARDIOMYOPATHY. Identifiers: Orphanet 289377, MedGen C2673677, MONDO:0012714, OMIM 611705. Disease mechanism: loss of function.
Myopathy, myofibrillar, 9, with early respiratory failure (MFM9). Also called: EDSTROM MYOPATHY; MYOPATHY, PROXIMAL, WITH EARLY RESPIRATORY MUSCLE INVOLVEMENT; Hereditary myopathy with early respiratory failure; Myopathy, distal, with early respiratory failure, autosomal dominant. Identifiers: Orphanet 178464, Orphanet 34521, MedGen C1863599, MONDO:0011362, OMIM 603689.
Tibial muscular dystrophy (TMD). Also called: Udd Distal Myopathy – Tibial Muscular Dystrophy; Tibial muscular dystrophy, tardive; UDD MYOPATHY. Identifiers: Orphanet 609, MedGen C1838244, MONDO:0010870, OMIM 600334.

Allele frequency attached by ClinVar (database versions not stated): ESP Exome Variant Server 0.00017; gnomAD exomes 0.00022 and 0.00038; gnomAD 0.00027 and 0.00028; TOPMed 0.00036; ExAC 0.00037.
gnomAD v4.1: 385 of 1,613,380 alleles (0.024%); highest among the groups gnomAD compares: Middle Eastern, 0.62%; 1 homozygote.

Submissions (17):

CeGaT Center for Human Genetics Tuebingen
Classification: Likely benign. Last evaluated: 2026-09-01. Review status: criteria provided, single submitter. Criteria: CeGaT Center For Human Genetics Tuebingen Variant Classification Criteria Version 2. Collection method: clinical testing. Allele origin: germline. Affected: yes. Observed: 5 variant alleles.
Comment: TTN: BP4

Labcorp Genetics (formerly Invitae), Labcorp
Classification: Likely benign for Dilated cardiomyopathy 1G; Autosomal recessive limb-girdle muscular dystrophy type 2J. Last evaluated: 2026-02-03. Review status: criteria provided, single submitter. Criteria: Invitae Variant Classification Sherloc (09022015). Collection method: clinical testing. Allele origin: germline.

Molecular Diagnostic Laboratory for Inherited Cardiovascular Disease, Montreal Heart Institute
Classification: Likely benign. Last evaluated: 2025-04-09. Review status: criteria provided, single submitter. Criteria: ACMG Guidelines, 2015. Collection method: clinical testing. Allele origin: germline. Affected: no.

PreventionGenetics, part of Exact Sciences
Classification: Likely benign for TTN-related condition. Last evaluated: 2025-02-24. Review status: criteria provided, single submitter. Criteria: ACMG Guidelines, 2015. Collection method: clinical testing. Allele origin: germline.
Comment: This variant is classified as likely benign based on ACMG/AMP sequence variant interpretation guidelines (Richards et al. 2015 PMID: 25741868, with internal and published modifications).

Blueprint Genetics
Classification: Likely benign. Last evaluated: 2024-11-25. Review status: criteria provided, single submitter. Criteria: ACMG Guidelines, 2015. Collection method: clinical testing. Allele origin: germline.

GeneDx
Classification: Benign. Last evaluated: 2021-04-05. Review status: criteria provided, single submitter. Criteria: GeneDx Variant Classification Process June 2021. Collection method: clinical testing. Allele origin: germline. Affected: yes.
Comment: This variant is associated with the following publications: (PMID: 23861362)

CHEO Genetics Diagnostic Laboratory, Children's Hospital of Eastern Ontario
Classification: Benign for Cardiomyopathy. Last evaluated: 2018-06-19. Review status: criteria provided, single submitter. Criteria: ACMG Guidelines, 2015. Collection method: clinical testing. Allele origin: germline.

Illumina Laboratory Services, Illumina
Classification: Uncertain significance for Dilated cardiomyopathy 1G. Last evaluated: 2018-01-13. Review status: criteria provided, single submitter. Criteria: ICSL Variant Classification Criteria 13 December 2019. Collection method: clinical testing. Allele origin: germline.

Illumina Laboratory Services, Illumina
Classification: Uncertain significance for Early-onset myopathy with fatal cardiomyopathy. Last evaluated: 2018-01-13. Review status: criteria provided, single submitter. Criteria: ICSL Variant Classification Criteria 13 December 2019. Collection method: clinical testing. Allele origin: germline.

Illumina Laboratory Services, Illumina
Classification: Benign for Myopathy, myofibrillar, 9, with early respiratory failure. Last evaluated: 2018-01-13. Review status: criteria provided, single submitter. Criteria: ICSL Variant Classification Criteria 13 December 2019. Collection method: clinical testing. Allele origin: germline.
Comment: This variant was observed in the ICSL laboratory as part of a predisposition screen in an ostensibly healthy population. It had not been previously curated by ICSL or reported in the Human Gene Mutation Database (HGMD: prior to June 1st, 2018), and was therefore a candidate for classification through an automated scoring system. Utilizing variant allele frequency, disease prevalence and penetrance estimates, and inheritance mode, an automated score was calculated to assess if this variant is too frequent to cause the disease. Based on the score and internal cut-off values, a variant classified as benign is not then subjected to further curation. The score for this variant resulted in a classification of benign for this disease.

Illumina Laboratory Services, Illumina
Classification: Uncertain significance for Autosomal recessive limb-girdle muscular dystrophy type 2J. Last evaluated: 2018-01-13. Review status: criteria provided, single submitter. Criteria: ICSL Variant Classification Criteria 13 December 2019. Collection method: clinical testing. Allele origin: germline.

Illumina Laboratory Services, Illumina
Classification: Benign for Tibial muscular dystrophy. Last evaluated: 2018-01-13. Review status: criteria provided, single submitter. Criteria: ICSL Variant Classification Criteria 13 December 2019. Collection method: clinical testing. Allele origin: germline.
Comment: the same text as in the submission from Illumina Laboratory Services, Illumina above.

Eurofins Ntd Llc (ga)
Classification: Uncertain significance. Last evaluated: 2017-02-22. Review status: criteria provided, single submitter. Criteria: EGL Classification Definitions 2015. Collection method: clinical testing. Allele origin: germline. Observed: 4 variant alleles, 3 heterozygotes.

Athena Diagnostics
Classification: Likely benign. Last evaluated: 2016-11-17. Review status: criteria provided, single submitter. Criteria: Athena Diagnostics Criteria. Collection method: clinical testing. Allele origin: germline.

Laboratory for Molecular Medicine, Mass General Brigham Personalized Medicine
Classification: Likely benign. Last evaluated: 2014-07-16. Review status: criteria provided, single submitter. Criteria: LMM Criteria. Collection method: clinical testing. Allele origin: germline. Observed: 2 variant alleles.
Comment: Val8259Ile in exon 96 of TTN: This variant is not expected to have clinical sign ificance due to a lack of conservation across species, including mammals. Of not e, squirrel, rat, shrew, aardvark and multiple lower species have an isoleucine (Ile) at this position despite high nearby amino acid conservation. It has also been identified in 2/8158 European American chromosomes by the NHLBI Exome Seque ncing Project (dbSNP rs202160275).

Biesecker Lab/Clinical Genomics Section, National Institutes of Health
Classification: Uncertain significance. Last evaluated: 2013-06-24. Review status: criteria provided, single submitter. Criteria: Ng et al. (Circ Cardiovasc Genet. 2013). Collection method: research. Allele origin: unknown. Observed: 1 variant allele. Study: ClinSeq.
Comment: The study set was not selected for affection status in relation to any cancer. Pathogenicity categories were based on literature curation. See Pubmed ID:23861362 for details.

Medical sequencing

Ambry Genetics
Classification: Uncertain significance for Cardiovascular phenotype. Last evaluated: 2013-01-10. Review status: criteria provided, single submitter. Criteria: Ambry Autosomal Dominant and X-Linked criteria (10/2015). Collection method: clinical testing. Allele origin: germline. Observed: 1 variant allele.
Comment: There is insufficient or conflicting evidence for classification of this alteration.

Literature cited by the submitters: PubMed 23861362 (cited by Athena Diagnostics).